The following is an entry in ClinVar:

ClinVar aggregate classification (germline): Uncertain significance. Review status: criteria provided, multiple submitters, no conflicts (2 of 4 stars). 3 submissions from 3 submitters: Uncertain significance (3). Last evaluated 2025-08-06.

Conditions:
Hereditary cancer-predisposing syndrome. Also called: Hereditary neoplastic syndrome; Tumor predisposition; Neoplastic Syndromes, Hereditary; Hereditary Cancer Syndrome. Identifiers: Orphanet 140162, MedGen C0027672, MeSH D009386, MONDO:0015356.

Allele frequency attached by ClinVar (database versions not stated): gnomAD exomes below 0.00001.
gnomAD v4.1: 1 of 1,614,100 alleles (0.000062%); highest among the groups gnomAD compares: Non-Finnish European, 0.000085%; no homozygotes.

Submissions (3):

Labcorp Genetics (formerly Invitae), Labcorp
Classification: Uncertain significance. Last evaluated: 2025-08-06. Review status: criteria provided, single submitter. Criteria: Invitae Variant Classification Sherloc (09022015). Collection method: clinical testing. Allele origin: germline.
Comment: This sequence change replaces histidine, which is basic and polar, with arginine, which is basic and polar, at codon 1838 of the POLE protein (p.His1838Arg). This variant is not present in population databases (gnomAD no frequency). This variant has not been reported in the literature in individuals affected with POLE-related conditions. ClinVar contains an entry for this variant (Variation ID: 956953). Invitae Evidence Modeling of protein sequence and biophysical properties (such as structural, functional, and spatial information, amino acid conservation, physicochemical variation, residue mobility, and thermodynamic stability) indicates that this missense variant is not expected to disrupt POLE protein function with a negative predictive value of 80%. In summary, the available evidence is currently insufficient to determine the role of this variant in disease. Therefore, it has been classified as a Variant of Uncertain Significance.

GeneDx
Classification: Uncertain significance. Last evaluated: 2025-07-11. Review status: criteria provided, single submitter. Criteria: GeneDx Variant Classification Process June 2021. Collection method: clinical testing. Allele origin: germline. Affected: yes.
Comment: Not observed at significant frequency in large population cohorts (gnomAD); In silico analysis suggests that this missense variant does not alter protein structure/function; Has not been previously published as pathogenic or benign to our knowledge

Ambry Genetics
Classification: Uncertain significance for Hereditary cancer-predisposing syndrome. Last evaluated: 2025-06-05. Review status: criteria provided, single submitter. Criteria: Ambry Variant Classification Scheme 2023. Collection method: clinical testing. Allele origin: germline.
Comment: The p.H1838R variant (also known as c.5513A>G), located in coding exon 40 of the POLE gene, results from an A to G substitution at nucleotide position 5513. The histidine at codon 1838 is replaced by arginine, an amino acid with highly similar properties. This amino acid position is highly conserved in available vertebrate species. In addition, the in silico prediction for this alteration is inconclusive. Based on the available evidence, the clinical significance of this variant remains unclear.

NM_006231.4(POLE):c.5513A>G (p.His1838Arg)

Gene: POLE (DNA polymerase epsilon, catalytic subunit; minus strand). Cytogenetic location: 12q24.33.
Variant type: single nucleotide variant.
Coding change: c.5513A>G on transcript NM_006231.4 (MANE Select); coding-DNA position 5513, A replaced by G.
Protein change: p.His1838Arg; replaces histidine 1838 with arginine.
Molecular consequence: missense variant.
Genome position (GRCh38, 1-based): chr12:132,639,164, T>C on the plus strand (A>G on the coding strand, the complement: POLE is on the minus strand). VCF-style: chr12-132639164-T-C. GRCh37 (hg19) VCF-style: chr12-133215750-T-C.
Other names: c.5513A>G (NM_006231.2); short protein forms H1838R.
Identifiers: ClinVar variation 956953 (VCV000956953.9), dbSNP rs2042091627, ClinGen allele CA387374613.